The following is an entry in ClinVar:

ClinVar aggregate classification (germline): Uncertain significance (1 of 4 stars; one submission).

Conditions:
GATAD2A-related disorder.

Submission:

3billion
Classification: Uncertain significance for GATAD2A-related disorder. Last evaluated: 2025-06-17. Review status: criteria provided, single submitter. Criteria: ACMG Guidelines, 2015. Collection method: clinical testing. Allele origin: germline. Affected: yes.
Comment: The variant is not observed in the gnomAD v4.1.0 dataset. Predicted Consequence/Location: Synonymous variant In silico tools predict the variant to alter splicing and produce an abnormal transcript [SpliceAI: 0.31 (>=0.2, moderate evidence for spliceogenicity)]. Therefore, this variant is classified as VUS according to the recommendation of ACMG/AMP guideline.

NM_001384528.1(GATAD2A):c.726C>T (p.Val242=)

Gene: GATAD2A (GATA zinc finger domain containing 2A; plus strand). Cytogenetic location: 19p13.11.
Variant type: single nucleotide variant.
Coding change: c.726C>T on transcript NM_001384528.1 (MANE Select); coding-DNA position 726, C replaced by T.
Protein change: p.Val242=; no amino-acid change (valine 242 retained).
Molecular consequence: synonymous variant. On other transcripts: non-coding transcript variant (1).
Genome position (GRCh38, 1-based): chr19:19,495,855, C>T. VCF-style: chr19-19495855-C-T. GRCh37 (hg19) VCF-style: chr19-19606664-C-T.
Other names: c.726C>T, p.Val242= (NM_001384533.1, NM_001384534.1, NM_001384535.1 and 26 more transcripts); c.636C>T, p.Val212= (NM_001384539.1); c.297C>T, p.Val99= (NM_001384540.1, NM_001384541.1).
Identifiers: ClinVar variation 4855920 (VCV004855920.1).